The following is an entry in ClinVar:

NM_000368.5(TSC1):c.256C>T (p.Arg86Cys)

Gene: TSC1 (TSC complex subunit 1; minus strand). Cytogenetic location: 9q34.13.
Variant type: single nucleotide variant.
Coding change: c.256C>T on transcript NM_000368.5 (MANE Select); coding-DNA position 256, C replaced by T.
Protein change: p.Arg86Cys; replaces arginine 86 with cysteine.
Molecular consequence: missense variant. On other transcripts: 5 prime UTR variant (1), intron variant (1).
Genome position (GRCh38, 1-based): chr9:132,925,694, G>A on the plus strand (C>T on the coding strand, the complement: TSC1 is on the minus strand). VCF-style: chr9-132925694-G-A. GRCh37 (hg19) VCF-style: chr9-135801081-G-A.
Other names: c.256C>T, p.Arg86Cys (NM_001162426.2); c.-108C>T (NM_001362177.2); c.210+1507C>T (NM_001162427.2); short protein forms R86C.
Identifiers: ClinVar variation 1309625 (VCV001309625.14), dbSNP rs1463772907, ClinGen allele CA375374694.

ClinVar aggregate classification (germline): Conflicting classifications of pathogenicity. Review status: criteria provided, conflicting classifications (1 of 4 stars). 4 submissions from 4 submitters: Uncertain significance (3); Likely benign (1). Last evaluated 2026-08-10.

Conditions:
Hereditary cancer-predisposing syndrome. Also called: Neoplastic Syndromes, Hereditary; Tumor predisposition; Hereditary Cancer Syndrome; Hereditary neoplastic syndrome. Identifiers: Orphanet 140162, MedGen C0027672, MeSH D009386, MONDO:0015356.
Tuberous sclerosis syndrome (TSC). Also called: Tuberous sclerosis; Tuberous Sclerosis Complex. Identifiers: Orphanet 805, MedGen C0041341, MONDO:0001734.
Tuberous sclerosis 1 (TSC1). Identifiers: Orphanet 805, MedGen C1854465, MONDO:0008612, OMIM 191100.

Allele frequency attached by ClinVar (database versions not stated): gnomAD exomes below 0.00001; TOPMed 0.00001.

Submissions (4):

Ambry Genetics
Classification: Uncertain significance for Hereditary cancer-predisposing syndrome. Last evaluated: 2026-08-10. Review status: criteria provided, single submitter. Criteria: Ambry Variant Classification Scheme 2023. Collection method: clinical testing. Allele origin: germline.
Comment: The p.R86C variant (also known as c.256C>T), located in coding exon 3 of the TSC1 gene, results from a C to T substitution at nucleotide position 256. The arginine at codon 86 is replaced by cysteine, an amino acid with highly dissimilar properties. This amino acid position is highly conserved in available vertebrate species. In addition, this alteration is predicted to be deleterious by in silico analysis. Since supporting evidence is limited at this time, the clinical significance of this alteration remains unclear.

Labcorp Genetics (formerly Invitae), Labcorp
Classification: Likely benign for Tuberous sclerosis 1. Last evaluated: 2023-09-26. Review status: criteria provided, single submitter. Criteria: Invitae Variant Classification Sherloc (09022015). Collection method: clinical testing. Allele origin: germline.

All of Us Research Program, National Institutes of Health
Classification: Uncertain significance for Tuberous sclerosis syndrome. Last evaluated: 2023-09-17. Review status: criteria provided, single submitter. Criteria: ACMG Guidelines, 2015. Collection method: clinical testing. Allele origin: germline. Inheritance: Autosomal dominant inheritance. Observed: 1 variant allele, 1 heterozygote.
Comment: This missense variant replaces arginine with cysteine at codon 86 of the TSC1 protein. Computational prediction suggests that this variant may have deleterious impact on protein structure and function (internally defined REVEL score threshold >= 0.7, PMID: 27666373). To our knowledge, functional studies have not been reported for this variant. This variant has not been reported in individuals affected with TSC1-related disorders in the literature. This variant has been identified in 1/251364 chromosomes in the general population by the Genome Aggregation Database (gnomAD). The available evidence is insufficient to determine the role of this variant in disease conclusively. Therefore, this variant is classified as a Variant of Uncertain Significance.

This study involves interpretation of variants in research participants for the purpose of population health screening. Participant phenotype was not available at the time of variant classification. Additional details can be found in publication PMID: 35346344, PMCID: PMC8962531

GeneDx
Classification: Uncertain significance. Last evaluated: 2019-10-18. Review status: criteria provided, single submitter. Criteria: GeneDx Variant Classification Process June 2021. Collection method: clinical testing. Allele origin: germline. Affected: yes.
Comment: In silico analysis, which includes protein predictors and evolutionary conservation, supports a deleterious effect; Has not been previously published as pathogenic or benign to our knowledge